The following is an entry in ClinVar:

NM_000400.4(ERCC2):c.820A>G (p.Lys274Glu)

Gene: ERCC2 (ERCC excision repair 2, TFIIH core complex helicase subunit; minus strand). Cytogenetic location: 19q13.32.
Variant type: single nucleotide variant.
Coding change: c.820A>G on transcript NM_000400.4 (MANE Select); coding-DNA position 820, A replaced by G.
Protein change: p.Lys274Glu; replaces lysine 274 with glutamic acid.
Molecular consequence: missense variant.
Genome position (GRCh38, 1-based): chr19:45,364,115, T>C on the plus strand (A>G on the coding strand, the complement: ERCC2 is on the minus strand). VCF-style: chr19-45364115-T-C. GRCh37 (hg19) VCF-style: chr19-45867373-T-C.
Other names: c.748A>G, p.Lys250Glu (NM_001130867.2); short protein forms K250E, K274E.
Identifiers: ClinVar variation 1762462 (VCV001762462.3), dbSNP rs779850024, ClinGen allele CA9513602.

ClinVar aggregate classification (germline): Uncertain significance (1 of 4 stars; one submission).

Conditions:
Inborn genetic diseases. Identifiers: MedGen C0950123, MeSH D030342.

Allele frequency attached by ClinVar (database versions not stated): ExAC 0.00001.

Submission:

Ambry Genetics
Classification: Uncertain significance for Inborn genetic diseases. Last evaluated: 2024-05-30. Review status: criteria provided, single submitter. Criteria: Ambry Variant Classification Scheme 2023. Collection method: clinical testing. Allele origin: germline.
Comment: The p.K274E variant (also known as c.820A>G), located in coding exon 10 of the ERCC2 gene, results from an A to G substitution at nucleotide position 820. The lysine at codon 274 is replaced by glutamic acid, an amino acid with similar properties. This amino acid position is conserved. In addition, the in silico prediction for this alteration is inconclusive. Since supporting evidence is limited at this time, the clinical significance of this alteration remains unclear.